The following is an entry in ClinVar:

ClinVar aggregate classification (germline): Uncertain significance (1 of 4 stars; one submission).

Conditions:
Familial thoracic aortic aneurysm and aortic dissection (TAAD). Also called: Thoracic aortic aneurysms and dissections. Identifiers: Orphanet 91387, MedGen C4707243, MONDO:0019625.

Submission:

Ambry Genetics
Classification: Uncertain significance for Familial thoracic aortic aneurysm and aortic dissection. Last evaluated: 2018-01-22. Review status: criteria provided, single submitter. Criteria: Ambry Variant Classification Scheme 2023. Collection method: clinical testing. Allele origin: germline.
Comment: The p.P314R variant (also known as c.941C>G), located in coding exon 13 of the COL3A1 gene, results from a C to G substitution at nucleotide position 941. The proline at codon 314 is replaced by arginine, an amino acid with dissimilar properties. This amino acid position is well conserved in available vertebrate species. In addition, the in silico prediction for this alteration is inconclusive. Since supporting evidence is limited at this time, the clinical significance of this alteration remains unclear.

NM_000090.4(COL3A1):c.941C>G (p.Pro314Arg)

Gene: COL3A1 (collagen type III alpha 1 chain; plus strand). Cytogenetic location: 2q32.2.
Variant type: single nucleotide variant.
Coding change: c.941C>G on transcript NM_000090.4 (MANE Select); coding-DNA position 941, C replaced by G.
Protein change: p.Pro314Arg; replaces proline 314 with arginine.
Molecular consequence: missense variant.
Genome position (GRCh38, 1-based): chr2:188,991,712, C>G. VCF-style: chr2-188991712-C-G. GRCh37 (hg19) VCF-style: chr2-189856438-C-G.
Other names: short protein forms P314R.
Identifiers: ClinVar variation 1766895 (VCV001766895.2), dbSNP rs2469122080, ClinGen allele CA349850045.